The following is an entry in ClinVar:

ClinVar aggregate classification (germline): Uncertain significance (1 of 4 stars; one submission).

Conditions:
Dilated cardiomyopathy 1G (CMD1G). Identifiers: Orphanet 154, MedGen C1858763, MONDO:0011400, OMIM 604145.
Autosomal recessive limb-girdle muscular dystrophy type 2J (LGMDR10). Also called: Limb-girdle muscular dystrophy, type 2J; MUSCULAR DYSTROPHY, LIMB-GIRDLE, AUTOSOMAL RECESSIVE 10. Identifiers: Orphanet 140922, MedGen C1837342, MONDO:0012127, OMIM 608807.

Submission:

Labcorp Genetics (formerly Invitae), Labcorp
Classification: Uncertain significance for Dilated cardiomyopathy 1G; Autosomal recessive limb-girdle muscular dystrophy type 2J. Last evaluated: 2023-06-20. Review status: criteria provided, single submitter. Criteria: Invitae Variant Classification Sherloc (09022015). Collection method: clinical testing. Allele origin: germline.
Comment: This variant is not present in population databases (gnomAD no frequency). This variant has not been reported in the literature in individuals affected with TTN-related conditions. Experimental studies and prediction algorithms are not available or were not evaluated, and the functional significance of this variant is currently unknown. This variant is located in the M band of TTN (PMID: 25589632). Variants in this region may be relevant for neuromuscular disorders, but have not been definitively shown to cause cardiomyopathy (PMID: 23975875). In summary, the available evidence is currently insufficient to determine the role of this variant in disease. Therefore, it has been classified as a Variant of Uncertain Significance. This sequence change replaces glutamic acid, which is acidic and polar, with glutamine, which is neutral and polar, at codon 34533 of the TTN protein (p.Glu34533Gln).

Literature cited by the submitters: PubMed 25589632; PubMed 23975875.

NM_001267550.2(TTN):c.103597G>C (p.Glu34533Gln)

Genes: TTN (titin; minus strand), TTN-AS1 (TTN antisense RNA 1; plus strand). Cytogenetic location: 2q31.2.
Variant type: single nucleotide variant.
Coding change: c.103597G>C on transcript NM_001267550.2 (MANE Select); coding-DNA position 103597, G replaced by C.
Protein change: p.Glu34533Gln; replaces glutamic acid 34533 with glutamine.
Molecular consequence: missense variant.
Genome position (GRCh38, 1-based): chr2:178,533,018, C>G on the plus strand (G>C on the coding strand, the complement: TTN is on the minus strand). VCF-style: chr2-178533018-C-G. GRCh37 (hg19) VCF-style: chr2-179397745-C-G.
Other names: c.98674G>C, p.Glu32892Gln (NM_001256850.1); c.76402G>C, p.Glu25468Gln (NM_003319.4); c.95893G>C, p.Glu31965Gln (NM_133378.4); c.76777G>C, p.Glu25593Gln (NM_133432.3); c.76978G>C, p.Glu25660Gln (NM_133437.4); short protein forms E34533Q, E25593Q, E25468Q, E32892Q, E25660Q, E31965Q.
Identifiers: ClinVar variation 2948233 (VCV002948233.3), dbSNP rs2468475600, ClinGen allele CA349413930.